The following is an entry in ClinVar:

ClinVar aggregate classification (germline): Likely benign. Review status: criteria provided, multiple submitters, no conflicts (2 of 4 stars). 3 submissions from 3 submitters: Likely benign (2). 1 of the submissions does not count toward it. Last evaluated 2025-09-29.

Conditions:
PCNT-related disorder. Also called: PCNT-related condition.

Allele frequency attached by ClinVar (database versions not stated): ExAC 0.00016; gnomAD exomes 0.00016; gnomAD 0.00036 and 0.00038; TOPMed 0.00045; ESP Exome Variant Server 0.00046.
gnomAD v4.1: 165 of 1,613,774 alleles (0.01%); highest among the groups gnomAD compares: African/African-American, 0.12%; 1 homozygote.

Submissions (3):

Labcorp Genetics (formerly Invitae), Labcorp
Classification: Likely benign. Last evaluated: 2025-09-29. Review status: criteria provided, single submitter. Criteria: Invitae Variant Classification Sherloc (09022015). Collection method: clinical testing. Allele origin: germline.

Blueprint Genetics
Classification: Likely benign. Last evaluated: 2023-12-27. Review status: criteria provided, single submitter. Criteria: ACMG Guidelines, 2015. Collection method: clinical testing. Allele origin: germline.

PreventionGenetics, part of Exact Sciences
Classification: Likely benign for PCNT-related condition. Last evaluated: 2021-12-13. Review status: no assertion criteria provided. Collection method: clinical testing. Allele origin: germline. Not counted in ClinVar's aggregate classification.
Comment: This variant is classified as likely benign based on ACMG/AMP sequence variant interpretation guidelines (Richards et al. 2015 PMID: 25741868, with internal and published modifications).

NM_006031.6(PCNT):c.8538G>A (p.Thr2846=)

Gene: PCNT (pericentrin; plus strand). Cytogenetic location: 21q22.3.
Variant type: single nucleotide variant.
Coding change: c.8538G>A on transcript NM_006031.6 (MANE Select); coding-DNA position 8538, G replaced by A.
Protein change: p.Thr2846=; no amino-acid change (threonine 2846 retained).
Molecular consequence: synonymous variant. On other transcripts: intron variant (1).
Genome position (GRCh38, 1-based): chr21:46,432,002, G>A. VCF-style: chr21-46432002-G-A. GRCh37 (hg19) VCF-style: chr21-47851916-G-A.
Other names: c.8160+24G>A (NM_001315529.2).
Identifiers: ClinVar variation 729220 (VCV000729220.11), dbSNP rs146053975, ClinGen allele CA10080987.
Genomic context (GRCh38, chr21:46,432,002, plus strand): 5'-TCAGAAGCACTGTGAGGCGCTCAGGAGAGAGAAGGAGGTAAGTGCCACACTGAAGTCGAC[G>A]GTGGAAGCCCTGCACACCCAAAAACGAGAGCTGAGATGCTCTCTGGAGAGAGAGAGGGAG-3'
Protein context (NP_006022.3, residues 2836-2856): EKEVSATLKS[Thr2846=]VEALHTQKRE